The following is an entry in ClinVar:

ClinVar aggregate classification (germline): Uncertain significance (1 of 4 stars; one submission).

Submission:

Greenwood Genetic Center Diagnostic Laboratories, Greenwood Genetic Center
Classification: Uncertain significance. Last evaluated: 2023-01-26. Review status: criteria provided, single submitter. Criteria: ACMG Guidelines, 2015. Collection method: clinical testing. Allele origin: germline. Affected: yes.
Comment: PM2

NM_005035.4(POLRMT):c.3185C>G (p.Ser1062Cys)

Gene: POLRMT (RNA polymerase mitochondrial; minus strand). Cytogenetic location: 19p13.3.
Variant type: single nucleotide variant.
Coding change: c.3185C>G on transcript NM_005035.4 (MANE Select); coding-DNA position 3185, C replaced by G.
Protein change: p.Ser1062Cys; replaces serine 1062 with cysteine.
Molecular consequence: missense variant. On other transcripts: non-coding transcript variant (1).
Genome position (GRCh38, 1-based): chr19:619,079, G>C on the plus strand (C>G on the coding strand, the complement: POLRMT is on the minus strand). VCF-style: chr19-619079-G-C. GRCh37 (hg19) VCF-style: chr19-619079-G-C.
Other names: c.3185C>G, p.Ser1062Cys (NM_001407805.1, NM_001407816.1); c.3176C>G, p.Ser1059Cys (NM_001407806.1, NM_001407809.1); c.3173C>G, p.Ser1058Cys (NM_001407807.1, NM_001407810.1); c.3194C>G, p.Ser1065Cys (NM_001407808.1); c.3143C>G, p.Ser1048Cys (NM_001407811.1, NM_001407813.1); c.3146C>G, p.Ser1049Cys (NM_001407812.1); c.3107C>G, p.Ser1036Cys (NM_001407814.1, NM_001407815.1); c.3062C>G, p.Ser1021Cys (NM_001407829.1); and 5 more; short protein forms S1021C, S1036C, S1048C, S1049C, S1058C, S1059C, S1062C, S1065C.
Identifiers: ClinVar variation 2505244 (VCV002505244.1), dbSNP rs1600557264, ClinGen allele CA402894219.